The following is an entry in ClinVar:

ClinVar aggregate classification (germline): Uncertain significance. Review status: criteria provided, multiple submitters, no conflicts (2 of 4 stars). 3 submissions from 3 submitters: Uncertain significance (3). Last evaluated 2025-11-03.

Conditions:
Inborn genetic diseases. Identifiers: MedGen C0950123, MeSH D030342.
Severe X-linked myotubular myopathy (CNMX). Also called: MYOTUBULAR MYOPATHY 1; X-linked centronuclear myopathy; Myotubular myopathy, X-linked. Identifiers: Orphanet 596, MedGen C0410203, MONDO:0010683, OMIM 310400.

Allele frequency attached by ClinVar (database versions not stated): gnomAD 0.00002; TOPMed 0.00002.
gnomAD v4.1: 5 of 1,206,292 alleles (0.00041%); highest among the groups gnomAD compares: East Asian, 0.003%; no homozygotes.

Submissions (3):

Labcorp Genetics (formerly Invitae), Labcorp
Classification: Uncertain significance for Severe X-linked myotubular myopathy. Last evaluated: 2025-11-03. Review status: criteria provided, single submitter. Criteria: Invitae Variant Classification Sherloc (09022015). Collection method: clinical testing. Allele origin: germline.
Comment: This sequence change replaces arginine, which is basic and polar, with glutamine, which is neutral and polar, at codon 24 of the MTM1 protein (p.Arg24Gln). This variant is present in population databases (no rsID available, gnomAD 0.004%). This variant has not been reported in the literature in individuals affected with MTM1-related conditions. ClinVar contains an entry for this variant (Variation ID: 2059257). Invitae Evidence Modeling of protein sequence and biophysical properties (such as structural, functional, and spatial information, amino acid conservation, physicochemical variation, residue mobility, and thermodynamic stability) indicates that this missense variant is not expected to disrupt MTM1 protein function with a negative predictive value of 95%. In summary, the available evidence is currently insufficient to determine the role of this variant in disease. Therefore, it has been classified as a Variant of Uncertain Significance.

Ambry Genetics
Classification: Uncertain significance for Inborn genetic diseases. Last evaluated: 2025-10-24. Review status: criteria provided, single submitter. Criteria: Ambry Variant Classification Scheme 2023. Collection method: clinical testing. Allele origin: germline.
Comment: The c.71G>A (p.R24Q) alteration is located in exon 3 (coding exon 2) of the MTM1 gene. This alteration results from a G to A substitution at nucleotide position 71, causing the arginine (R) at amino acid position 24 to be replaced by a glutamine (Q). Based on data from gnomAD, the A allele has an overall frequency of 0.001% (2/182964) total alleles studied. The highest observed frequency was 0.004% (1/27384) of Latino alleles. Based on insufficient or conflicting evidence, the clinical significance of this alteration remains unclear.

GeneDx
Classification: Uncertain significance. Last evaluated: 2025-05-08. Review status: criteria provided, single submitter. Criteria: GeneDx Variant Classification Process June 2021. Collection method: clinical testing. Allele origin: germline. Affected: yes.
Comment: In silico analysis suggests that this missense variant does not alter protein structure/function; Has not been previously published as pathogenic or benign to our knowledge

NM_000252.3(MTM1):c.71G>A (p.Arg24Gln)

Gene: MTM1 (myotubularin 1; plus strand). Cytogenetic location: Xq28.
Variant type: single nucleotide variant.
Coding change: c.71G>A on transcript NM_000252.3 (MANE Select); coding-DNA position 71, G replaced by A.
Protein change: p.Arg24Gln; replaces arginine 24 with glutamine.
Molecular consequence: missense variant.
Genome position (GRCh38, 1-based): chrX:150,596,505, G>A. VCF-style: chrX-150596505-G-A. GRCh37 (hg19) VCF-style: chrX-149764969-G-A.
Other names: c.71G>A, p.Arg24Gln (NM_001376906.1, NM_001376907.1, NM_001376908.1); short protein forms R24Q.
Identifiers: ClinVar variation 2059257 (VCV002059257.5), dbSNP rs1381506126, ClinGen allele CA415249756.